The following is an entry in ClinVar:

NM_000626.4(CD79B):c.67+3A>G

Genes: CD79B (CD79b molecule; minus strand), GH-LCR (growth hormone locus control region; plus strand). Cytogenetic location: 17q23.3.
Variant type: single nucleotide variant.
Coding change: c.67+3A>G on transcript NM_000626.4 (MANE Select); 3 bases into the intron after coding-DNA position 67, A replaced by G.
Molecular consequence: intron variant.
Genome position (GRCh38, 1-based): chr17:63,932,192, T>C on the plus strand (A>G on the coding strand, the complement: CD79B is on the minus strand). VCF-style: chr17-63932192-T-C. GRCh37 (hg19) VCF-style: chr17-62009552-T-C.
Other names: c.67+3A>G (NM_021602.4, NM_001329050.2, NM_001039933.3).
Identifiers: ClinVar variation 1441648 (VCV001441648.6), dbSNP rs1335363614, ClinGen allele CA774001020.

ClinVar aggregate classification (germline): Uncertain significance (1 of 4 stars; one submission).

Conditions:
Agammaglobulinemia 6, autosomal recessive (AGM6). Also called: AGAMMAGLOBULINEMIA 6; AGAMMAGLOBULINEMIA, AUTOSOMAL RECESSIVE, DUE TO CD79B DEFECT. Identifiers: MedGen C3150207, MONDO:0012987, OMIM 612692.

Allele frequency attached by ClinVar (database versions not stated): gnomAD exomes below 0.00001.
gnomAD v4.1: 2 of 1,613,010 alleles (0.00012%); highest among the groups gnomAD compares: East Asian, 0.0022%; no homozygotes.

Submission:

Labcorp Genetics (formerly Invitae), Labcorp
Classification: Uncertain significance for Agammaglobulinemia 6, autosomal recessive. Last evaluated: 2021-11-22. Review status: criteria provided, single submitter. Criteria: Invitae Variant Classification Sherloc (09022015). Collection method: clinical testing. Allele origin: germline.
Comment: In summary, the available evidence is currently insufficient to determine the role of this variant in disease. Therefore, it has been classified as a Variant of Uncertain Significance. Variants that disrupt the consensus splice site are a relatively common cause of aberrant splicing (PMID: 17576681, 9536098). Experimental studies and prediction algorithms are not available or were not evaluated, and the effect of this variant on mRNA splicing is currently unknown. This variant has not been reported in the literature in individuals affected with CD79B-related conditions. This variant is not present in population databases (gnomAD no frequency). This sequence change falls in intron 1 of the CD79B gene. It does not directly change the encoded amino acid sequence of the CD79B protein. It affects a nucleotide within the consensus splice site.

Literature cited by the submitters: PubMed 17576681; PubMed 9536098.